The following is an entry in ClinVar:

ClinVar aggregate classification (germline): Pathogenic (1 of 4 stars; one submission).

Conditions:
Familial adenomatous polyposis 1 (FAP1). Also called: FAMILIAL ADENOMATOUS POLYPOSIS 1, ATTENUATED; POLYPOSIS, ADENOMATOUS INTESTINAL. Identifiers: MedGen C2713442, MONDO:0021056, OMIM 175100. Disease mechanism: loss of function.

Submission:

Myriad Genetics, Inc.
Classification: Pathogenic for Familial adenomatous polyposis 1. Last evaluated: 2023-05-15. Review status: criteria provided, single submitter. Criteria: Myriad Autosomal Dominant, Autosomal Recessive and X-Linked Classification Criteria (2023). Collection method: clinical testing. Allele origin: unknown.
Comment: This variant is considered pathogenic. This variant creates a frameshift predicted to result in premature protein truncation.

NM_000038.6(APC):c.5964del (p.Glu1989fs)

Gene: APC (APC regulator of Wnt signaling pathway; plus strand). Cytogenetic location: 5q22.2.
Variant type: Deletion.
Coding change: c.5964del on transcript NM_000038.6 (MANE Select); coding-DNA position 5964, one base deleted (A; older notation c.5964delA).
Protein change: p.Glu1989fs; shifts the reading frame from glutamic acid 1989.
Molecular consequence: frameshift variant. On other transcripts: non-coding transcript variant (2).
Genome position (GRCh38, 1-based): chr5:112,841,558, A deleted; the last of 3 consecutive A bases (chr5:112,841,556-112,841,558); deleting any one gives the same sequence. VCF-style (leftmost placement, unchanged base first): chr5-112841555-CA-C. GRCh37 (hg19) VCF-style: chr5-112177252-CA-C.
Other names: c.5715del, p.Glu1906fs (NM_001407456.1, NM_001407457.1, NM_001407454.1 and 1 more transcripts); c.5661del, p.Glu1888fs (NM_001407460.1, NM_001407459.1, NM_001407458.1 and 1 more transcripts); c.5577del, p.Glu1860fs (NM_001407467.1, NM_001407469.1); c.5964del, p.Glu1989fs (NM_001127510.3, NM_001354895.2, NM_001407450.1); c.5910del, p.Glu1971fs (NM_001127511.3); c.6018del, p.Glu2007fs (NM_001354896.2, NM_001407447.1, NM_001407448.1 and 1 more transcripts); c.5994del, p.Glu1999fs (NM_001354897.2); c.5889del, p.Glu1964fs (NM_001354898.2); and 11 more; short protein forms E1605fs, E1706fs, E1829fs, E1860fs, E1863fs, E1888fs, E1898fs, E1906fs.
Identifiers: ClinVar variation 2583913 (VCV002583913.2), dbSNP rs758682585, ClinGen allele CA2582341490.